The following is an entry in ClinVar:

ClinVar aggregate classification (germline): Uncertain significance (1 of 4 stars; one submission).

Conditions:
Hypertrophic cardiomyopathy. Also called: HYPERTROPHIC MYOCARDIOPATHY. Identifiers: Orphanet 217569, MedGen C0007194, MeSH D002312, MONDO:0005045, HP:0001639.

Submission:

Labcorp Genetics (formerly Invitae), Labcorp
Classification: Uncertain significance for Hypertrophic cardiomyopathy. Last evaluated: 2020-08-27. Review status: criteria provided, single submitter. Criteria: Invitae Variant Classification Sherloc (09022015). Collection method: clinical testing. Allele origin: germline.
Comment: This variant has been observed in individual(s) with hypertrophic cardiomyopathy (PMID: 27247418). Algorithms developed to predict the effect of missense changes on protein structure and function are either unavailable or do not agree on the potential impact of this missense change (SIFT: "Deleterious"; PolyPhen-2: "Probably Damaging"; Align-GVGD: "Class C0"). This variant is found within a region of MYH7 between codons 181 and 937 that contains the majority of the myosin head domain. Missense variants in this region have been shown to be significantly overrepresented in individuals with hypertrophic cardiomyopathy (PMID: 27532257). In summary, the available evidence is currently insufficient to determine the role of this variant in disease. Therefore, it has been classified as a Variant of Uncertain Significance. This variant is not present in population databases (ExAC no frequency). This sequence change replaces isoleucine with methionine at codon 303 of the MYH7 protein (p.Ile303Met). The isoleucine residue is highly conserved and there is a small physicochemical difference between isoleucine and methionine.

Literature cited by the submitters: PubMed 27247418; PubMed 27532257.

NM_000257.4(MYH7):c.909C>G (p.Ile303Met)

Gene: MYH7 (myosin heavy chain 7; minus strand). Cytogenetic location: 14q11.2.
Variant type: single nucleotide variant.
Coding change: c.909C>G on transcript NM_000257.4 (MANE Select); coding-DNA position 909, C replaced by G.
Protein change: p.Ile303Met; replaces isoleucine 303 with methionine.
Molecular consequence: missense variant.
Genome position (GRCh38, 1-based): chr14:23,430,650, G>C on the plus strand (C>G on the coding strand, the complement: MYH7 is on the minus strand). VCF-style: chr14-23430650-G-C. GRCh37 (hg19) VCF-style: chr14-23899859-G-C.
Other names: short protein forms I303M.
Identifiers: ClinVar variation 1018285 (VCV001018285.8), dbSNP rs1892892401, ClinGen allele CA389051774.
Genomic context (GRCh38, chr14:23,430,650, plus strand): 5'-AATGGAGGCCACGGTGGTCTCTCCTTGGGAGATGAATGCATAATCGTAGGGGTTGTTGGT[G>C]ATCAGCAGCATGTCTAGGGGAAAAAACATGGTTAGGGTGGGACACAAGCCCCCGGCTCTC-3'
Protein context (NP_000248.2, residues 293-313): KKPELLDMLL[Ile303Met]TNNPYDYAFI